The following is an entry in ClinVar:

ClinVar aggregate classification (germline): Likely benign. Review status: criteria provided, multiple submitters, no conflicts (2 of 4 stars). 5 submissions from 5 submitters: Likely benign (5). Last evaluated 2025-12-01.

Conditions:
Developmental and epileptic encephalopathy, 14 (DEE14). Also called: Early infantile epileptic encephalopathy 14. Identifiers: Orphanet 293181, MedGen C3554195, MONDO:0013989, OMIM 614959.
Autosomal dominant nocturnal frontal lobe epilepsy 5. Also called: CILIARY DYSKINESIA, PRIMARY, 28, WITHOUT SITUS INVERSUS; CILIARY DYSKINESIA, PRIMARY, 28, WITH SITUS INVERSUS; Epilepsy, nocturnal frontal lobe, 5; KCNT1-Related Epilepsy. Identifiers: Orphanet 98784, MedGen C3554306, MONDO:0014002, OMIM 615005.
Inborn genetic diseases. Identifiers: MedGen C0950123, MeSH D030342.

Allele frequency attached by ClinVar (database versions not stated): gnomAD 0.00006 and 0.00007; gnomAD exomes 0.00006; ESP Exome Variant Server 0.00008; ExAC 0.00010; TOPMed 0.00010; 1000 Genomes Project 30x 0.00031; 1000 Genomes Project 0.00040.
gnomAD v4.1: 74 of 1,612,622 alleles (0.0046%); highest among the groups gnomAD compares: Middle Eastern, 0.18%; 1 homozygote.

Submissions (5):

CeGaT Center for Human Genetics Tuebingen
Classification: Likely benign. Last evaluated: 2025-12-01. Review status: criteria provided, single submitter. Criteria: CeGaT Center For Human Genetics Tuebingen Variant Classification Criteria Version 2. Collection method: clinical testing. Allele origin: germline. Affected: yes. Observed: 2 variant alleles.
Comment: KCNT1: BP4, BS1

Labcorp Genetics (formerly Invitae), Labcorp
Classification: Likely benign for Autosomal dominant nocturnal frontal lobe epilepsy 5; Developmental and epileptic encephalopathy, 14. Last evaluated: 2025-09-10. Review status: criteria provided, single submitter. Criteria: Invitae Variant Classification Sherloc (09022015). Collection method: clinical testing. Allele origin: germline.

Blueprint Genetics
Classification: Likely benign. Last evaluated: 2024-02-20. Review status: criteria provided, single submitter. Criteria: ACMG Guidelines, 2015. Collection method: clinical testing. Allele origin: germline.

Ambry Genetics
Classification: Likely benign for Inborn genetic diseases. Last evaluated: 2019-08-28. Review status: criteria provided, single submitter. Criteria: Ambry Variant Classification Scheme 2023. Collection method: clinical testing. Allele origin: germline.

Breakthrough Genomics
Classification: Likely benign. Review status: criteria provided, single submitter. Criteria: ACMG Guidelines, 2015. Collection method: not provided. Allele origin: germline. Inheritance: Autosomal dominant inheritance. Affected: yes.

NM_020822.3(KCNT1):c.335-4G>A

Gene: KCNT1 (potassium sodium-activated channel subfamily T member 1; plus strand). Cytogenetic location: 9q34.3.
Variant type: single nucleotide variant.
Coding change: c.335-4G>A on transcript NM_020822.3 (MANE Select); 4 bases into the intron before coding-DNA position 335, G replaced by A.
Molecular consequence: intron variant.
Genome position (GRCh38, 1-based): chr9:135,750,938, G>A. VCF-style: chr9-135750938-G-A. GRCh37 (hg19) VCF-style: chr9-138642784-G-A.
Other names: c.191-4G>A (NM_001272003.2).
Identifiers: ClinVar variation 696423 (VCV000696423.28), dbSNP rs372339395, ClinGen allele CA5326390.
Genomic context (GRCh38, chr9:135,750,938, plus strand): 5'-GCAGGCCCTGCTCCCCGAAGCCCAGAGCTGGGTCAGAGCCCTGAGGCCGCTGCCCTCCCC[G>A]CAGGCCTGAGGATCCGGCTGTTCAACTTCTCCCTGAAGCTGCTCACCTGCCTGCTCTACA-3'